The following is an entry in ClinVar:

NM_004336.5(BUB1):c.1315C>G (p.His439Asp)

Gene: BUB1 (BUB1 mitotic checkpoint serine/threonine kinase; minus strand). Cytogenetic location: 2q13.
Variant type: single nucleotide variant.
Coding change: c.1315C>G on transcript NM_004336.5 (MANE Select); coding-DNA position 1315, C replaced by G.
Protein change: p.His439Asp; replaces histidine 439 with aspartic acid.
Molecular consequence: missense variant.
Genome position (GRCh38, 1-based): chr2:110,658,704, G>C on the plus strand (C>G on the coding strand, the complement: BUB1 is on the minus strand). VCF-style: chr2-110658704-G-C. GRCh37 (hg19) VCF-style: chr2-111416281-G-C.
Other names: c.1255C>G, p.His419Asp (NM_001278616.2); c.1315C>G, p.His439Asp (NM_001278617.2); short protein forms H439D, H419D.
Identifiers: ClinVar variation 1769776 (VCV001769776.3), dbSNP rs2468010520, ClinGen allele CA348212686.

ClinVar aggregate classification (germline): Uncertain significance (1 of 4 stars; one submission).

Submission:

Ambry Genetics
Classification: Uncertain significance. Last evaluated: 2024-11-11. Review status: criteria provided, single submitter. Criteria: Ambry Variant Classification Scheme 2023. Collection method: clinical testing. Allele origin: germline.
Comment: The p.H439D variant (also known as c.1315C>G), located in coding exon 12 of the BUB1 gene, results from a C to G substitution at nucleotide position 1315. The histidine at codon 439 is replaced by aspartic acid, an amino acid with similar properties. This amino acid position is conserved. In addition, the in silico prediction for this alteration is inconclusive. Since supporting evidence is limited at this time, the clinical significance of this alteration remains unclear.